The following is an entry in ClinVar:

ClinVar aggregate classification (germline): Uncertain significance. Review status: criteria provided, multiple submitters, no conflicts (2 of 4 stars). 5 submissions from 5 submitters: Uncertain significance (4). 1 of the submissions does not count toward it. Last evaluated 2025-05-19.

Conditions:
Ataxia-telangiectasia syndrome (AT). Also called: Ataxia telangiectasia (A-T); LOUIS-BAR SYNDROME; Cerebello-oculocutaneous telangiectasia; Immunodeficiency with ataxia telangiectasia; Ataxia-telangiectasia, complementation group D; AT, COMPLEMENTATION GROUP C. Identifiers: Orphanet 100, MedGen C0004135, MONDO:0008840, OMIM 208900.
Hereditary cancer-predisposing syndrome. Also called: Hereditary neoplastic syndrome; Neoplastic Syndromes, Hereditary; Tumor predisposition; Hereditary Cancer Syndrome. Identifiers: Orphanet 140162, MedGen C0027672, MeSH D009386, MONDO:0015356.
Familial cancer of breast. Also called: Hereditary breast cancer; hereditary breast carcinoma; BREAST CANCER, FAMILIAL. Identifiers: Orphanet 227535, MedGen C0346153, MONDO:0016419, OMIM 114480. Disease mechanism: loss of function.

Submissions (5):

Ambry Genetics
Classification: Uncertain significance for Hereditary cancer-predisposing syndrome. Last evaluated: 2025-05-19. Review status: criteria provided, single submitter. Criteria: Ambry Variant Classification Scheme 2023. Collection method: clinical testing. Allele origin: germline.
Comment: The p.P1843A variant (also known as c.5527C>G), located in coding exon 36 of the ATM gene, results from a C to G substitution at nucleotide position 5527. The proline at codon 1843 is replaced by alanine, an amino acid with highly similar properties. This amino acid position is highly conserved in available vertebrate species. In addition, this alteration is predicted to be deleterious by in silico analysis. Since supporting evidence is limited at this time, the clinical significance of this alteration remains unclear.

Labcorp Genetics (formerly Invitae), Labcorp
Classification: Uncertain significance for Ataxia-telangiectasia syndrome. Last evaluated: 2024-07-24. Review status: criteria provided, single submitter. Criteria: Invitae Variant Classification Sherloc (09022015). Collection method: clinical testing. Allele origin: germline.
Comment: This sequence change replaces proline, which is neutral and non-polar, with alanine, which is neutral and non-polar, at codon 1843 of the ATM protein (p.Pro1843Ala). This variant is not present in population databases (gnomAD no frequency). This variant has not been reported in the literature in individuals affected with ATM-related conditions. ClinVar contains an entry for this variant (Variation ID: 407569). An algorithm developed to predict the effect of missense changes on protein structure and function (PolyPhen-2) suggests that this variant is likely to be disruptive. In summary, the available evidence is currently insufficient to determine the role of this variant in disease. Therefore, it has been classified as a Variant of Uncertain Significance.

Color Diagnostics, LLC DBA Color Health
Classification: Uncertain significance for Hereditary cancer-predisposing syndrome. Last evaluated: 2024-03-06. Review status: criteria provided, single submitter. Criteria: ACMG Guidelines, 2015. Collection method: clinical testing. Allele origin: germline.
Comment: This missense variant replaces proline with alanine at codon 1843 of the ATM protein. Computational prediction tools and conservation analyses are inconclusive regarding the impact of this variant on protein structure and function. Splice site prediction tools suggest that this variant may not impact RNA splicing. To our knowledge, functional studies have not been performed for this variant. This variant has not been reported in individuals affected with hereditary cancer in the literature. This variant has not been identified in the general population by the Genome Aggregation Database (gnomAD). The available evidence is insufficient to determine the role of this variant in disease conclusively. Therefore, this variant is classified as a Variant of Uncertain Significance.

MGZ Medical Genetics Center
Classification: Uncertain significance for Familial cancer of breast. Last evaluated: 2022-07-11. Review status: criteria provided, single submitter. Criteria: ACMG Guidelines, 2015. Collection method: clinical testing. Allele origin: germline. Affected: yes. Observed: 1 variant allele.
Comment: ACMG criteria applied: PM2_SUP, PP3

Natera, Inc.
Classification: Uncertain significance for Ataxia-telangiectasia. Last evaluated: 2021-05-25. Review status: no assertion criteria provided. Collection method: clinical testing. Allele origin: germline. Not counted in ClinVar's aggregate classification.

NM_000051.4(ATM):c.5527C>G (p.Pro1843Ala)

Gene: ATM (ATM serine/threonine kinase; plus strand). Cytogenetic location: 11q22.3.
Variant type: single nucleotide variant.
Coding change: c.5527C>G on transcript NM_000051.4 (MANE Select); coding-DNA position 5527, C replaced by G.
Protein change: p.Pro1843Ala; replaces proline 1843 with alanine.
Molecular consequence: missense variant.
Genome position (GRCh38, 1-based): chr11:108,304,705, C>G. VCF-style: chr11-108304705-C-G. GRCh37 (hg19) VCF-style: chr11-108175432-C-G.
Other names: c.5527C>G, p.Pro1843Ala (NM_001351834.2); short protein forms P1843A.
Identifiers: ClinVar variation 407569 (VCV000407569.27), dbSNP rs1060501607, ClinGen allele CA16613376.